The following is an entry in ClinVar:

ClinVar aggregate classification (germline): Benign/Likely benign. Review status: criteria provided, multiple submitters, no conflicts (2 of 4 stars). 8 submissions from 8 submitters: Benign (4); Likely benign (2). 2 of the submissions do not count toward it. Last evaluated 2026-01-31.

Conditions:
NDRG1-related disorder. Also called: NDRG1-related condition.
Charcot-Marie-Tooth disease type 4. Also called: Charcot-Marie-Tooth, Type 4; Charcot-Marie-Tooth disease, type IV. Identifiers: Orphanet 64749, MedGen C4082197, MONDO:0018995.
Charcot-Marie-Tooth disease type 4D. Also called: NEUROPATHY, HEREDITARY MOTOR AND SENSORY, LOM TYPE; CHARCOT-MARIE-TOOTH DISEASE, DEMYELINATING, TYPE 4D; CHARCOT-MARIE-TOOTH DISEASE, DEMYELINATING, AUTOSOMAL RECESSIVE, TYPE 4D; Charcot-Marie-Tooth Neuropathy Type 4D. Identifiers: Orphanet 99950, MedGen C1832334, MONDO:0011085, OMIM 601455.

Allele frequency attached by ClinVar (database versions not stated): gnomAD exomes 0.00114 and 0.00291; ExAC 0.00368; gnomAD 0.01155 and 0.01225; TOPMed 0.01240; ESP Exome Variant Server 0.01384; 1000 Genomes Project 0.01398; 1000 Genomes Project 30x 0.01483.
gnomAD v4.1: 3,459 of 1,614,186 alleles (0.21%); highest among the groups gnomAD compares: African/African-American, 4.1%; 67 homozygotes.

Submissions (8):

Labcorp Genetics (formerly Invitae), Labcorp
Classification: Benign for Charcot-Marie-Tooth disease type 4. Last evaluated: 2026-01-31. Review status: criteria provided, single submitter. Criteria: Invitae Variant Classification Sherloc (09022015). Collection method: clinical testing. Allele origin: germline.

Athena Diagnostics
Classification: Benign. Last evaluated: 2025-06-04. Review status: criteria provided, single submitter. Criteria: Athena Diagnostics Criteria. Collection method: clinical testing. Allele origin: unknown.
Comment: The frequency of this variant in the general population is higher than would generally be expected for pathogenic variants in this gene. Computational tools yielded predictions that this variant is unlikely to have an effect on normal RNA splicing. This nucleotide position exhibits low evolutionary conservation.

ARUP Laboratories, Molecular Genetics and Genomics, ARUP Laboratories
Classification: Benign for Charcot-Marie-Tooth disease type 4D. Last evaluated: 2020-03-13. Review status: criteria provided, single submitter. Criteria: ARUP Molecular Germline Variant Investigation Process. Collection method: clinical testing. Allele origin: germline.

Illumina Laboratory Services, Illumina
Classification: Likely benign for Charcot-Marie-Tooth disease type 4D. Last evaluated: 2017-04-27. Review status: criteria provided, single submitter. Criteria: ICSL Variant Classification Criteria 13 December 2019. Collection method: clinical testing. Allele origin: germline.
Comment: This variant was observed as part of a predisposition screen in an ostensibly healthy population. A literature search was performed for the gene, cDNA change, and amino acid change (where applicable). No publications were found based on this search. Allele frequency data from public databases allowed determination this variant is unlikely to cause disease. Therefore, this variant is classified as likely benign.

GeneDx
Classification: Benign. Last evaluated: 2015-04-24. Review status: criteria provided, single submitter. Criteria: GeneDx Variant Classification (06012015). Collection method: clinical testing. Allele origin: germline. Affected: yes.
Comment: This variant is considered likely benign or benign based on one or more of the following criteria: it is a conservative change, it occurs at a poorly conserved position in the protein, it is predicted to be benign by multiple in silico algorithms, and/or has population frequency not consistent with disease.

Breakthrough Genomics
Classification: Likely benign. Review status: criteria provided, single submitter. Criteria: ACMG Guidelines, 2015. Collection method: not provided. Allele origin: germline. Inheritance: Autosomal recessive inheritance. Affected: yes.

Natera, Inc.
Classification: Benign for Charcot-Marie-Tooth disease type 4. Last evaluated: 2020-09-16. Review status: no assertion criteria provided. Collection method: clinical testing. Allele origin: germline. Not counted in ClinVar's aggregate classification.

PreventionGenetics, part of Exact Sciences
Classification: Benign for NDRG1-related condition. Last evaluated: 2019-09-04. Review status: no assertion criteria provided. Collection method: clinical testing. Allele origin: germline. Not counted in ClinVar's aggregate classification.
Comment: This variant is classified as benign based on ACMG/AMP sequence variant interpretation guidelines (Richards et al. 2015 PMID: 25741868, with internal and published modifications).

NM_006096.4(NDRG1):c.507G>A (p.Ala169=)

Gene: NDRG1 (N-myc downstream regulated 1; minus strand). Cytogenetic location: 8q24.22.
Variant type: single nucleotide variant.
Coding change: c.507G>A on transcript NM_006096.4 (MANE Select); coding-DNA position 507, G replaced by A.
Protein change: p.Ala169=; no amino-acid change (alanine 169 retained).
Molecular consequence: synonymous variant.
Genome position (GRCh38, 1-based): chr8:133,256,807, C>T on the plus strand (G>A on the coding strand, the complement: NDRG1 is on the minus strand). VCF-style: chr8-133256807-C-T. GRCh37 (hg19) VCF-style: chr8-134269050-C-T.
Other names: c.507G>A, p.Ala169= (NM_001135242.2, NM_001374844.1, NM_001374845.1 and 1 more transcripts); c.309G>A, p.Ala103= (NM_001258432.2, NM_001374847.1); c.264G>A, p.Ala88= (NM_001258433.2).
Identifiers: ClinVar variation 219798 (VCV000219798.26), dbSNP rs2233331, ClinGen allele CA350170.